The following is an entry in ClinVar:

NM_002317.7(LOX):c.1082G>A (p.Cys361Tyr)

Genes: LOX (lysyl oxidase; minus strand), SRFBP1 (serum response factor binding protein 1; plus strand). Cytogenetic location: 5q23.1.
Variant type: single nucleotide variant.
Coding change: c.1082G>A on transcript NM_002317.7 (MANE Select); coding-DNA position 1082, G replaced by A.
Protein change: p.Cys361Tyr; replaces cysteine 361 with tyrosine.
Molecular consequence: missense variant.
Genome position (GRCh38, 1-based): chr5:122,070,543, C>T on the plus strand (G>A on the coding strand, the complement: LOX is on the minus strand). VCF-style: chr5-122070543-C-T. GRCh37 (hg19) VCF-style: chr5-121406238-C-T.
Other names: c.392G>A, p.Cys131Tyr (NM_001178102.2); c.191G>A, p.Cys64Tyr (NM_001317073.1); short protein forms C131Y, C361Y, C64Y.
Identifiers: ClinVar variation 4975166 (VCV004975166.1).

ClinVar aggregate classification (germline): Likely pathogenic (1 of 4 stars; one submission).

Submission:

GeneDx
Classification: Likely pathogenic. Last evaluated: 2025-07-23. Review status: criteria provided, single submitter. Criteria: GeneDx Variant Classification Process June 2021. Collection method: clinical testing. Allele origin: germline.
Comment: Not observed at significant frequency in large population cohorts (gnomAD); In silico analysis supports that this missense variant has a deleterious effect on protein structure/function; Has not been previously published as pathogenic or benign to our knowledge